The following is an entry in ClinVar:

NM_177965.4(CFAP418):c.138G>A (p.Lys46=)

Genes: CFAP418 (cilia and flagella associated protein 418; minus strand), CFAP418-AS1 (CFAP418 antisense RNA 1; plus strand), LOC130000784 (ATAC-STARR-seq lymphoblastoid active region 27655; plus strand). Cytogenetic location: 8q22.1.
Variant type: single nucleotide variant.
Coding change: c.138G>A on transcript NM_177965.4 (MANE Select); coding-DNA position 138, G replaced by A.
Protein change: p.Lys46=; no amino-acid change (lysine 46 retained).
Molecular consequence: synonymous variant.
Genome position (GRCh38, 1-based): chr8:95,269,052, C>T on the plus strand (G>A on the coding strand, the complement: CFAP418 is on the minus strand). VCF-style: chr8-95269052-C-T. GRCh37 (hg19) VCF-style: chr8-96281280-C-T.
Other names: c.138G>A, p.Lys46= (NM_001363260.1).
Identifiers: ClinVar variation 3355126 (VCV003355126.1).

ClinVar aggregate classification (germline): Likely benign (0 of 4 stars; one submission).

Conditions:
CFAP418-related disorder. Also called: CFAP418-related condition.

Submission:

PreventionGenetics, part of Exact Sciences
Classification: Likely benign for CFAP418-related condition. Last evaluated: 2022-01-04. Review status: no assertion criteria provided. Collection method: clinical testing. Allele origin: germline.
Comment: This variant is classified as likely benign based on ACMG/AMP sequence variant interpretation guidelines (Richards et al. 2015 PMID: 25741868, with internal and published modifications).